The following is an entry in ClinVar:

NM_002860.4(ALDH18A1):c.512C>T (p.Ala171Val)

Gene: ALDH18A1 (aldehyde dehydrogenase 18 family member A1; minus strand). Cytogenetic location: 10q24.1.
Variant type: single nucleotide variant.
Coding change: c.512C>T on transcript NM_002860.4 (MANE Select); coding-DNA position 512, C replaced by T.
Protein change: p.Ala171Val; replaces alanine 171 with valine.
Molecular consequence: missense variant. On other transcripts: intron variant (2).
Genome position (GRCh38, 1-based): chr10:95,637,139, G>A on the plus strand (C>T on the coding strand, the complement: ALDH18A1 is on the minus strand). VCF-style: chr10-95637139-G-A. GRCh37 (hg19) VCF-style: chr10-97396896-G-A.
Other names: c.512C>T, p.Ala171Val (NM_001017423.2, NM_001323413.2, NM_001323414.2 and 1 more transcripts); c.179C>T, p.Ala60Val (NM_001323412.2, NM_001323416.2, NM_001323418.2); c.-78-3490C>T (NM_001323419.2); c.453+148C>T (NM_001323417.2); short protein forms A171V, A60V.
Identifiers: ClinVar variation 1309066 (VCV001309066.8), dbSNP rs1268586078, ClinGen allele CA377706427.

ClinVar aggregate classification (germline): Uncertain significance. Review status: criteria provided, multiple submitters, no conflicts (2 of 4 stars). 3 submissions from 3 submitters: Uncertain significance (3). Last evaluated 2025-08-22.

Conditions:
Inborn genetic diseases. Identifiers: MedGen C0950123, MeSH D030342.
Autosomal dominant spastic paraplegia type 9. Identifiers: MedGen C1832669, MONDO:0015091.
de Barsy syndrome. Also called: Cutis laxa-corneal clouding-oligophrenia syndrome. Identifiers: Orphanet 2962, MedGen C0268354, MONDO:0017569.
Cutis laxa, autosomal dominant 3 (ADCL3). Identifiers: Orphanet 90348, MedGen C4225268, MONDO:0014706, OMIM 616603.

Allele frequency attached by ClinVar (database versions not stated): gnomAD exomes below 0.00001; TOPMed below 0.00001; gnomAD 0.00001.
gnomAD v4.1: 3 of 1,614,032 alleles (0.00019%); highest among the groups gnomAD compares: Middle Eastern, 0.016%; no homozygotes.

Submissions (3):

Ambry Genetics
Classification: Uncertain significance for Inborn genetic diseases. Last evaluated: 2025-08-22. Review status: criteria provided, single submitter. Criteria: Ambry Variant Classification Scheme 2023. Collection method: clinical testing. Allele origin: germline.

Labcorp Genetics (formerly Invitae), Labcorp
Classification: Uncertain significance for Autosomal dominant spastic paraplegia type 9; de Barsy syndrome; Cutis laxa, autosomal dominant 3. Last evaluated: 2025-05-18. Review status: criteria provided, single submitter. Criteria: Invitae Variant Classification Sherloc (09022015). Collection method: clinical testing. Allele origin: germline.
Comment: This sequence change replaces alanine, which is neutral and non-polar, with valine, which is neutral and non-polar, at codon 171 of the ALDH18A1 protein (p.Ala171Val). This variant is not present in population databases (gnomAD no frequency). This variant has not been reported in the literature in individuals affected with ALDH18A1-related conditions. ClinVar contains an entry for this variant (Variation ID: 1309066). Invitae Evidence Modeling of protein sequence and biophysical properties (such as structural, functional, and spatial information, amino acid conservation, physicochemical variation, residue mobility, and thermodynamic stability) has been performed for this missense variant. However, the output from this modeling did not meet the statistical confidence thresholds required to predict the impact of this variant on ALDH18A1 protein function. In summary, the available evidence is currently insufficient to determine the role of this variant in disease. Therefore, it has been classified as a Variant of Uncertain Significance.

GeneDx
Classification: Uncertain significance. Last evaluated: 2022-07-06. Review status: criteria provided, single submitter. Criteria: GeneDx Variant Classification Process June 2021. Collection method: clinical testing. Allele origin: germline. Affected: yes.
Comment: Not observed in large population cohorts (gnomAD); In silico analysis supports that this missense variant has a deleterious effect on protein structure/function; Has not been previously published as pathogenic or benign to our knowledge